The following is an entry in ClinVar:

ClinVar aggregate classification (germline): Conflicting classifications of pathogenicity. Review status: criteria provided, conflicting classifications (1 of 4 stars). 3 submissions from 3 submitters: Uncertain significance (2); Likely benign (1). Last evaluated 2025-08-13.

Conditions:
Hereditary cancer-predisposing syndrome. Also called: Neoplastic Syndromes, Hereditary; Tumor predisposition; Hereditary neoplastic syndrome; Hereditary Cancer Syndrome. Identifiers: Orphanet 140162, MedGen C0027672, MeSH D009386, MONDO:0015356.
Pilocytic astrocytoma. Also called: Pilocytic astrocytoma, somatic. Identifiers: Orphanet 251612, MedGen C0334583, MONDO:0016691, HP:0033680.
Hereditary breast ovarian cancer syndrome. Also called: BRCA1- and BRCA2-Associated Hereditary Breast and Ovarian Cancer; Hereditary breast and ovarian cancer; Hereditary breast and ovarian cancer syndrome; Hereditary breast and/or ovarian cancer syndrome; Hereditary breast and ovarian cancer syndrome (HBOC); Breast and ovarian cancer. Identifiers: Orphanet 145, MedGen C0677776, MeSH D061325, MONDO:0003582. Disease mechanism: loss of function.

Submissions (3):

Ambry Genetics
Classification: Likely benign for Hereditary cancer-predisposing syndrome. Last evaluated: 2025-08-13. Review status: criteria provided, single submitter. Criteria: Ambry Variant Classification Scheme 2023. Collection method: clinical testing. Allele origin: germline.

Labcorp Genetics (formerly Invitae), Labcorp
Classification: Uncertain significance for Hereditary breast ovarian cancer syndrome. Last evaluated: 2021-12-21. Review status: criteria provided, single submitter. Criteria: Invitae Variant Classification Sherloc (09022015). Collection method: clinical testing. Allele origin: germline.
Comment: This variant is not present in population databases (gnomAD no frequency). In summary, the available evidence is currently insufficient to determine the role of this variant in disease. Therefore, it has been classified as a Variant of Uncertain Significance. Algorithms developed to predict the effect of sequence changes on RNA splicing suggest that this variant may disrupt the consensus splice site. This variant has not been reported in the literature in individuals affected with BRCA2-related conditions. This sequence change affects codon 22 of the BRCA2 mRNA. It is a 'silent' change, meaning that it does not change the encoded amino acid sequence of the BRCA2 protein. It affects a nucleotide within the consensus splice site.

Laboratory of Medical Genetics Unit, Bambino Gesù Children's Hospital
Classification: Uncertain significance for Pilocytic astrocytoma. Review status: criteria provided, single submitter. Criteria: ACMG Guidelines, 2015. Collection method: research. Allele origin: germline. Affected: yes.
Comment: The variant NM_000059.4 (BRCA2): c.66A>C (p.Ala22Ala) is not reported in GnomAD and it is reported in literatute. It is annotated on Clinvar as VUS/likely benign associated with Hereditary Breast Ovarian Cancer Syndrome [RCV001878829] and Hereditary Cancer-predisposing Syndrome [RCV004601562]. It is classified as VUS according to the ACMG criteria (PM2, PP3and BP6).

NM_000059.4(BRCA2):c.66A>C (p.Ala22=)

Gene: BRCA2 (BRCA2 DNA repair associated; plus strand). Cytogenetic location: 13q13.1.
Variant type: single nucleotide variant.
Coding change: c.66A>C on transcript NM_000059.4 (MANE Select); coding-DNA position 66, A replaced by C.
Protein change: p.Ala22=; no amino-acid change (alanine 22 retained).
Molecular consequence: synonymous variant.
Genome position (GRCh38, 1-based): chr13:32,316,526, A>C. VCF-style: chr13-32316526-A-C. GRCh37 (hg19) VCF-style: chr13-32890663-A-C.
Other names: c.66A>C (NM_000059.3).
Identifiers: ClinVar variation 1371106 (VCV001371106.11), dbSNP rs1555280115, ClinGen allele CA483272671.